The following is an entry in ClinVar:

ClinVar aggregate classification (germline): Uncertain significance (1 of 4 stars; one submission).

Conditions:
Hereditary cancer-predisposing syndrome. Also called: Neoplastic Syndromes, Hereditary; Tumor predisposition; Hereditary neoplastic syndrome; Hereditary Cancer Syndrome. Identifiers: Orphanet 140162, MedGen C0027672, MeSH D009386, MONDO:0015356.

Submission:

Ambry Genetics
Classification: Uncertain significance for Hereditary cancer-predisposing syndrome. Last evaluated: 2026-08-08. Review status: criteria provided, single submitter. Criteria: Ambry Variant Classification Scheme 2023. Collection method: clinical testing. Allele origin: germline.
Comment: The p.F156L variant (also known as c.468C>A), located in coding exon 4 of the POLD1 gene, results from a C to A substitution at nucleotide position 468. The phenylalanine at codon 156 is replaced by leucine, an amino acid with highly similar properties. This amino acid position is conserved. In addition, this alteration is predicted to be tolerated by in silico analysis. Based on the available evidence, the clinical significance of this variant remains unclear.

NM_002691.4(POLD1):c.468C>A (p.Phe156Leu)

Gene: POLD1 (DNA polymerase delta 1, catalytic subunit; plus strand). Cytogenetic location: 19q13.33.
Variant type: single nucleotide variant.
Coding change: c.468C>A on transcript NM_002691.4 (MANE Select); coding-DNA position 468, C replaced by A.
Protein change: p.Phe156Leu; replaces phenylalanine 156 with leucine.
Molecular consequence: missense variant. On other transcripts: non-coding transcript variant (1).
Genome position (GRCh38, 1-based): chr19:50,402,003, C>A. VCF-style: chr19-50402003-C-A. GRCh37 (hg19) VCF-style: chr19-50905260-C-A.
Other names: c.468C>A, p.Phe156Leu (NM_001256849.1, NM_001308632.1, NM_001438210.1 and 3 more transcripts); short protein forms F156L.
Identifiers: ClinVar variation 5027000 (VCV005027000.1).